The following is an entry in ClinVar:

NM_001267550.2(TTN):c.93730G>A (p.Ala31244Thr)

Genes: TTN (titin; minus strand), TTN-AS1 (TTN antisense RNA 1; plus strand). Cytogenetic location: 2q31.2.
Variant type: single nucleotide variant.
Coding change: c.93730G>A on transcript NM_001267550.2 (MANE Select); coding-DNA position 93730, G replaced by A.
Protein change: p.Ala31244Thr; replaces alanine 31244 with threonine.
Molecular consequence: missense variant.
Genome position (GRCh38, 1-based): chr2:178,547,896, C>T on the plus strand (G>A on the coding strand, the complement: TTN is on the minus strand). VCF-style: chr2-178547896-C-T. GRCh37 (hg19) VCF-style: chr2-179412623-C-T.
Other names: p.A29603T:GCC>ACC; c.88807G>A, p.Ala29603Thr (NM_001256850.1); c.66535G>A, p.Ala22179Thr (NM_003319.4); c.86026G>A, p.Ala28676Thr (NM_133378.4); c.66910G>A, p.Ala22304Thr (NM_133432.3); c.67111G>A, p.Ala22371Thr (NM_133437.4); short protein forms A29603T, A31244T, A22304T, A28676T, A22371T, A22179T.
Identifiers: ClinVar variation 202995 (VCV000202995.2), dbSNP rs753663596, ClinGen allele CA310923.

ClinVar aggregate classification (germline): Uncertain significance (1 of 4 stars; one submission).

Allele frequency attached by ClinVar (database versions not stated): ExAC 0.00001; gnomAD 0.00001; gnomAD exomes below 0.00001.
gnomAD v4.1: 3 of 1,613,716 alleles (0.00019%); highest among the groups gnomAD compares: Non-Finnish European, 0.00025%; no homozygotes.

Submission:

GeneDx
Classification: Uncertain significance. Last evaluated: 2013-05-07. Review status: criteria provided, single submitter. Criteria: GeneDx Variant Classification (06012015). Collection method: clinical testing. Allele origin: germline. Affected: yes.
Comment: Missense variants in the TTN gene are considered 'unclassified' if they are not previously reported in the literature and do not have >1% frequency in the population to be considered a polymorphism. Research indicates that truncating mutations in the TTN gene are expected to account for approximately 25% of familial and 18% of sporadic idiopathic DCM; however, truncating variants in the TTN gene have been reported in approximately 3% of reported control alleles. There has been little investigation into non-truncating variants. (Herman D et al. Truncations of titin causing dilated cardiomyopathy. N Eng J Med 366:619-628, 2012) The variant is found in DCM panel(s).